The following is an entry in ClinVar:

NM_000069.3(CACNA1S):c.3036C>T (p.Thr1012=)

Gene: CACNA1S (calcium voltage-gated channel subunit alpha1 S; minus strand). Cytogenetic location: 1q32.1.
Variant type: single nucleotide variant.
Coding change: c.3036C>T on transcript NM_000069.3 (MANE Select); coding-DNA position 3036, C replaced by T.
Protein change: p.Thr1012=; no amino-acid change (threonine 1012 retained).
Molecular consequence: synonymous variant.
Genome position (GRCh38, 1-based): chr1:201,061,961, G>A on the plus strand (C>T on the coding strand, the complement: CACNA1S is on the minus strand). VCF-style: chr1-201061961-G-A. GRCh37 (hg19) VCF-style: chr1-201031089-G-A.
Identifiers: ClinVar variation 1155234 (VCV001155234.10), dbSNP rs1661064920, ClinGen allele CA422720390.

ClinVar aggregate classification (germline): Likely benign. Review status: criteria provided, multiple submitters, no conflicts (2 of 4 stars). 2 submissions from 2 submitters: Likely benign (2). Last evaluated 2024-04-16.

Conditions:
Malignant hyperthermia, susceptibility to, 5 (MHS5). Also called: CACNA1S-Related Malignant Hyperthermia Susceptibility. Identifiers: Orphanet 423, MedGen C1866077, MONDO:0011163, OMIM 601887.
Hypokalemic periodic paralysis, type 1. Also called: HypoPP; Hypokalemic Periodic Paralysis Type 1 (AD). Identifiers: Orphanet 681, MedGen C3714580, MONDO:0042979, OMIM 170400.

Allele frequency attached by ClinVar (database versions not stated): gnomAD 0.00001; gnomAD exomes 0.00001.

Submissions (2):

All of Us Research Program, National Institutes of Health
Classification: Likely benign for Malignant hyperthermia, susceptibility to, 5. Last evaluated: 2024-04-16. Review status: criteria provided, single submitter. Criteria: ACMG Guidelines, 2015. Collection method: clinical testing. Allele origin: germline. Inheritance: Autosomal dominant inheritance. Observed: 1 variant allele, 1 heterozygote.
Comment: This study involves interpretation of variants in research participants for the purpose of population health screening. Participant phenotype was not available at the time of variant classification. Additional details can be found in publication PMID: 35346344, PMCID: PMC8962531

Labcorp Genetics (formerly Invitae), Labcorp
Classification: Likely benign for Hypokalemic periodic paralysis, type 1; Malignant hyperthermia, susceptibility to, 5. Last evaluated: 2023-11-13. Review status: criteria provided, single submitter. Criteria: Invitae Variant Classification Sherloc (09022015). Collection method: clinical testing. Allele origin: germline.